The following is an entry in ClinVar:

NM_004960.4(FUS):c.669CGG[3] (p.Gly229_Gly231del)

Gene: FUS (FUS DNA/RNA binding protein; plus strand). Cytogenetic location: 16p11.2.
Variant type: Microsatellite.
Coding change: c.669CGG[3] on transcript NM_004960.4 (MANE Select); three copies in a row of the 3-base unit CGG starting at c.669; the reference has six copies in a row; three copies, 9 bases deleted; also written c.678_686del.
Protein change: p.Gly229_Gly231del.
Molecular consequence: inframe deletion. On other transcripts: non-coding transcript variant (1).
Genome position (GRCh38, 1-based): chr16:31,185,093-31,185,101, CGGCGGCGG deleted; deleting any 9 consecutive bases within chr16:31,185,082-31,185,101 gives the same sequence; the position shown is the placement nearest the transcript's 3' end. VCF-style (leftmost placement, unchanged base first): chr16-31185081-TGGCGGCGGC-T. GRCh37 (hg19) VCF-style: chr16-31196402-TGGCGGCGGC-T.
Other names: p.Gly229_Gly231del; c.666CGG[3], p.Gly228_Gly230del (NM_001170634.1); c.657CGG[3], p.Gly225_Gly227del (NM_001170937.1); c.678_686del (NM_004960.3); c.678_686del9 (NM_004960.3).
Identifiers: ClinVar variation 374452 (VCV000374452.52), dbSNP rs72550890, ClinGen allele CA8023740.

ClinVar aggregate classification (germline): Likely benign. Review status: criteria provided, multiple submitters, no conflicts (2 of 4 stars). 5 submissions from 5 submitters: Likely benign (4). 1 of the submissions does not count toward it. Last evaluated 2026-06-01.

Conditions:
FUS-related disorder. Also called: FUS-related condition.
Inborn genetic diseases. Identifiers: MedGen C0950123, MeSH D030342.
Amyotrophic lateral sclerosis type 6. Also called: Amyotrophic lateral sclerosis 6, with or without frontotemporal dementia; AMYOTROPHIC LATERAL SCLEROSIS 6 WITHOUT FRONTOTEMPORAL DEMENTIA; FUS-Related Amyotrophic Laterial Sclerosis. Identifiers: Orphanet 275872, Orphanet 803, MedGen C2931786, MONDO:0011951, OMIM 608030.
Tremor, hereditary essential, 4 (ETM4). Identifiers: MedGen C3539195, MONDO:0013888, OMIM 614782.

Submissions (5):

CeGaT Center for Human Genetics Tuebingen
Classification: Likely benign. Last evaluated: 2026-06-01. Review status: criteria provided, single submitter. Criteria: CeGaT Center For Human Genetics Tuebingen Variant Classification Criteria Version 2. Collection method: clinical testing. Allele origin: germline. Affected: yes. Observed: 4 variant alleles.
Comment: FUS: BS1

Labcorp Genetics (formerly Invitae), Labcorp
Classification: Likely benign for Tremor, hereditary essential, 4; Amyotrophic lateral sclerosis type 6. Last evaluated: 2025-08-08. Review status: criteria provided, single submitter. Criteria: Invitae Variant Classification Sherloc (09022015). Collection method: clinical testing. Allele origin: germline.

Mayo Clinic Laboratories, Mayo Clinic
Classification: Likely benign. Last evaluated: 2025-02-08. Review status: criteria provided, single submitter. Criteria: ACMG Guidelines, 2015. Collection method: clinical testing. Allele origin: germline. Observed: 3 variant alleles.
Comment: BS2, BP3

Ambry Genetics
Classification: Likely benign for Inborn genetic diseases. Last evaluated: 2023-07-17. Review status: criteria provided, single submitter. Criteria: Ambry Variant Classification Scheme 2023. Collection method: clinical testing. Allele origin: germline.

PreventionGenetics, part of Exact Sciences
Classification: Likely benign for FUS-related condition. Last evaluated: 2022-11-01. Review status: no assertion criteria provided. Collection method: clinical testing. Allele origin: germline. Not counted in ClinVar's aggregate classification.
Comment: This variant is classified as likely benign based on ACMG/AMP sequence variant interpretation guidelines (Richards et al. 2015 PMID: 25741868, with internal and published modifications).

Literature cited by the submitters: PubMed 31217084 (cited by Mayo Clinic Laboratories, Mayo Clinic).